The following is an entry in ClinVar:

ClinVar aggregate classification (germline): Uncertain significance (1 of 4 stars; one submission).

Submission:

Labcorp Genetics (formerly Invitae), Labcorp
Classification: Uncertain significance. Last evaluated: 2021-03-07. Review status: criteria provided, single submitter. Criteria: Invitae Variant Classification Sherloc (09022015). Collection method: clinical testing. Allele origin: germline.
Comment: This variant is not present in population databases (ExAC no frequency). This variant has not been reported in the literature in individuals with CPLANE1-related conditions. Advanced modeling of protein sequence and biophysical properties (such as structural, functional, and spatial information, amino acid conservation, physicochemical variation, residue mobility, and thermodynamic stability) performed at Invitae indicates that this missense variant is not expected to disrupt CPLANE1 protein function. In summary, the available evidence is currently insufficient to determine the role of this variant in disease. Therefore, it has been classified as a Variant of Uncertain Significance. This sequence change replaces threonine with serine at codon 3076 of the CPLANE1 protein (p.Thr3076Ser). The threonine residue is weakly conserved and there is a small physicochemical difference between threonine and serine.

NM_001384732.1(CPLANE1):c.9389C>G (p.Thr3130Ser)

Gene: CPLANE1 (ciliogenesis and planar polarity effector complex subunit 1; minus strand). Cytogenetic location: 5p13.2.
Variant type: single nucleotide variant.
Coding change: c.9389C>G on transcript NM_001384732.1 (MANE Select); coding-DNA position 9389, C replaced by G.
Protein change: p.Thr3130Ser; replaces threonine 3130 with serine.
Molecular consequence: missense variant.
Genome position (GRCh38, 1-based): chr5:37,114,971, G>C on the plus strand (C>G on the coding strand, the complement: CPLANE1 is on the minus strand). VCF-style: chr5-37114971-G-C. GRCh37 (hg19) VCF-style: chr5-37115073-G-C.
Other names: c.9227C>G, p.Thr3076Ser (NM_023073.4); short protein forms T3076S, T3130S.
Identifiers: ClinVar variation 1482214 (VCV001482214.8), dbSNP rs554956977, ClinGen allele CA359491793.